The following is an entry in ClinVar:

NM_053025.4(MYLK):c.2726C>G (p.Thr909Ser)

Gene: MYLK (myosin light chain kinase; minus strand). Cytogenetic location: 3q21.1.
Variant type: single nucleotide variant.
Coding change: c.2726C>G on transcript NM_053025.4 (MANE Select); coding-DNA position 2726, C replaced by G.
Protein change: p.Thr909Ser; replaces threonine 909 with serine.
Molecular consequence: missense variant.
Genome position (GRCh38, 1-based): chr3:123,700,742, G>C on the plus strand (C>G on the coding strand, the complement: MYLK is on the minus strand). VCF-style: chr3-123700742-G-C. GRCh37 (hg19) VCF-style: chr3-123419589-G-C.
Other names: c.2198C>G, p.Thr733Ser (NM_001321309.2); c.2519C>G, p.Thr840Ser (NM_053026.4, NM_053028.4); c.2726C>G, p.Thr909Ser (NM_053027.4); c.2726C>G (NM_053025.3); short protein forms T733S, T840S, T909S.
Identifiers: ClinVar variation 1713133 (VCV001713133.5), dbSNP rs754246956, ClinGen allele CA068923.

ClinVar aggregate classification (germline): Uncertain significance. Review status: criteria provided, multiple submitters, no conflicts (2 of 4 stars). 3 submissions from 3 submitters: Uncertain significance (2). 1 of the submissions does not count toward it. Last evaluated 2025-09-28.

Conditions:
Aortic aneurysm, familial thoracic 7 (AAT7). Also called: AORTIC DISSECTION, FAMILIAL, WITH OR WITHOUT AORTIC ANEURYSM. Identifiers: MedGen C3151077, MONDO:0013418, OMIM 613780.
Familial thoracic aortic aneurysm and aortic dissection (TAAD). Also called: Thoracic aortic aneurysms and dissections. Identifiers: Orphanet 91387, MedGen C4707243, MONDO:0019625.

Allele frequency attached by ClinVar (database versions not stated): ExAC 0.00001.
gnomAD v4.1: 4 of 1,614,190 alleles (0.00025%); highest among the groups gnomAD compares: Non-Finnish European, 0.00034%; no homozygotes.

Submissions (3):

Ambry Genetics
Classification: Uncertain significance for Familial thoracic aortic aneurysm and aortic dissection. Last evaluated: 2025-09-28. Review status: criteria provided, single submitter. Criteria: Ambry Variant Classification Scheme 2023. Collection method: clinical testing. Allele origin: germline.
Comment: The p.T909S variant (also known as c.2726C>G), located in coding exon 15 of the MYLK gene, results from a C to G substitution at nucleotide position 2726. The threonine at codon 909 is replaced by serine, an amino acid with similar properties. This amino acid position is conserved. In addition, this alteration is predicted to be tolerated by in silico analysis. Based on the available evidence, the clinical significance of this variant remains unclear.

Labcorp Genetics (formerly Invitae), Labcorp
Classification: Uncertain significance for Aortic aneurysm, familial thoracic 7. Last evaluated: 2024-07-12. Review status: criteria provided, single submitter. Criteria: Invitae Variant Classification Sherloc (09022015). Collection method: clinical testing. Allele origin: germline.
Comment: This sequence change replaces threonine, which is neutral and polar, with serine, which is neutral and polar, at codon 909 of the MYLK protein (p.Thr909Ser). This variant is present in population databases (rs754246956, gnomAD 0.002%). This variant has not been reported in the literature in individuals affected with MYLK-related conditions. ClinVar contains an entry for this variant (Variation ID: 1713133). Advanced modeling of protein sequence and biophysical properties (such as structural, functional, and spatial information, amino acid conservation, physicochemical variation, residue mobility, and thermodynamic stability) performed at Invitae indicates that this missense variant is not expected to disrupt MYLK protein function with a negative predictive value of 80%. In summary, the available evidence is currently insufficient to determine the role of this variant in disease. Therefore, it has been classified as a Variant of Uncertain Significance.

Institute of Human Genetics, University of Goettingen
Classification: Uncertain significance for Aortic aneurysm, familial thoracic 7. Last evaluated: 2022-09-06. Review status: no assertion criteria provided. Collection method: clinical testing. Allele origin: unknown. Inheritance: Sporadic. Affected: yes. Not counted in ClinVar's aggregate classification.